The following is an entry in ClinVar:

ClinVar aggregate classification (germline): Uncertain significance (1 of 4 stars; one submission).

Conditions:
Emery-Dreifuss muscular dystrophy (EDMD). Also called: Scapuloperoneal syndrome, X-linked (formerly); Humeroperoneal neuromuscular disease, (formerly). Identifiers: Orphanet 261, MedGen C0410189, MONDO:0016830.

Allele frequency attached by ClinVar (database versions not stated): 1000 Genomes Project 30x 0.00016; 1000 Genomes Project 0.00020; ESP Exome Variant Server 0.00023.
gnomAD v4.1: 124 of 1,613,922 alleles (0.0077%); highest among the groups gnomAD compares: Non-Finnish European, 0.01%; no homozygotes.

Submission:

Labcorp Genetics (formerly Invitae), Labcorp
Classification: Uncertain significance for Emery-Dreifuss muscular dystrophy. Last evaluated: 2022-12-03. Review status: criteria provided, single submitter. Criteria: Invitae Variant Classification Sherloc (09022015). Collection method: clinical testing. Allele origin: germline.
Comment: In summary, the available evidence is currently insufficient to determine the role of this variant in disease. Therefore, it has been classified as a Variant of Uncertain Significance. Algorithms developed to predict the effect of missense changes on protein structure and function (SIFT, PolyPhen-2, Align-GVGD) all suggest that this variant is likely to be disruptive. This variant has not been reported in the literature in individuals affected with SUN2-related conditions. This variant is present in population databases (rs137996727, gnomAD 0.007%). This sequence change replaces arginine, which is basic and polar, with leucine, which is neutral and non-polar, at codon 693 of the SUN2 protein (p.Arg693Leu).

NM_015374.3(SUN2):c.2078G>T (p.Arg693Leu)

Genes: GTPBP1 (GTP binding protein 1; plus strand), SUN2 (Sad1 and UNC84 domain containing 2; minus strand). Cytogenetic location: 22q13.1.
Variant type: single nucleotide variant.
Coding change: c.2078G>T on transcript NM_015374.3 (MANE Select); coding-DNA position 2078, G replaced by T.
Protein change: p.Arg693Leu; replaces arginine 693 with leucine.
Molecular consequence: missense variant.
Genome position (GRCh38, 1-based): chr22:38,736,343, C>A on the plus strand (G>T on the coding strand, the complement: SUN2 is on the minus strand). VCF-style: chr22-38736343-C-A. GRCh37 (hg19) VCF-style: chr22-39132348-C-A.
Other names: c.2141G>T, p.Arg714Leu (NM_001199579.2, NM_001394428.1); c.2078G>T, p.Arg693Leu (NM_001199580.2, NM_001394432.1, NM_001394433.1 and 2 more transcripts); c.2171G>T, p.Arg724Leu (NM_001394427.1); c.2123G>T, p.Arg708Leu (NM_001394429.1, NM_001394430.1); c.2075G>T, p.Arg692Leu (NM_001394436.1, NM_001394437.1); c.1988G>T, p.Arg663Leu (NM_001394438.1); c.1940G>T, p.Arg647Leu (NM_001394439.1, NM_001394440.1, NM_001394441.1); c.1679G>T, p.Arg560Leu (NM_001394442.1); and 2 more; short protein forms R560L, R663L, R708L, R501L, R529L, R647L, R692L, R724L.
Identifiers: ClinVar variation 2728453 (VCV002728453.3), dbSNP rs137996727, ClinGen allele CA10235306.